The following is an entry in ClinVar:

ClinVar aggregate classification (germline): Pathogenic. Review status: criteria provided, multiple submitters, no conflicts (2 of 4 stars). 2 submissions from 2 submitters: Pathogenic (2). Last evaluated 2024-04-24.

Conditions:
Mitchell syndrome. Identifiers: Orphanet 631248, MedGen C5394554, MONDO:0030073, OMIM 618960.
Acyl-CoA oxidase deficiency. Also called: STRAIGHT-CHAIN ACYL-CoA OXIDASE DEFICIENCY; Pseudoneonatal adrenoleukodystrophy; Peroxisomal acyl-CoA oxidase deficiency. Identifiers: Orphanet 2971, MedGen C1849678, MONDO:0009919, OMIM 264470. Disease mechanism: loss of function.

Submissions (2):

Labcorp Genetics (formerly Invitae), Labcorp
Classification: Pathogenic for Acyl-CoA oxidase deficiency. Last evaluated: 2024-04-24. Review status: criteria provided, single submitter. Criteria: Invitae Variant Classification Sherloc (09022015). Collection method: clinical testing. Allele origin: germline.
Comment: This sequence change creates a premature translational stop signal (p.Val426Hisfs*7) in the ACOX1 gene. It is expected to result in an absent or disrupted protein product. Loss-of-function variants in ACOX1 are known to be pathogenic (PMID: 8040306, 17458872). This variant is not present in population databases (gnomAD no frequency). This premature translational stop signal has been observed in individual(s) with peroxisomal acyl-CoA oxidase deficiency (PMID: 17458872). For these reasons, this variant has been classified as Pathogenic.

Baylor Genetics
Classification: Pathogenic for Mitchell syndrome. Last evaluated: 2023-06-27. Review status: criteria provided, single submitter. Criteria: ACMG Guidelines, 2015. Collection method: clinical testing. Allele origin: unknown.

Literature cited by the submitters: PubMed 8040306 (cited by Labcorp Genetics (formerly Invitae), Labcorp); PubMed 17458872 (cited by Labcorp Genetics (formerly Invitae), Labcorp).

NM_004035.7(ACOX1):c.1276_1277del (p.Val426fs)

Gene: ACOX1 (acyl-CoA oxidase 1; minus strand). Cytogenetic location: 17q25.1.
Variant type: Deletion.
Coding change: c.1276_1277del on transcript NM_004035.7 (MANE Select); coding-DNA positions 1276 to 1277, 2 bases deleted (GT; older notation c.1276_1277delGT).
Protein change: p.Val426fs; shifts the reading frame from valine 426.
Molecular consequence: frameshift variant.
Genome position (GRCh38, 1-based): chr17:75,950,795-75,950,796, AC deleted on the plus strand (GT on the coding strand, the reverse complement: ACOX1 is on the minus strand); deleting any 2 consecutive bases within chr17:75,950,795-75,950,797 gives the same sequence; the c. name uses the placement nearest the transcript's 3' end. VCF-style (leftmost placement, unchanged base first): chr17-75950794-GAC-G. GRCh37 (hg19) VCF-style: chr17-73946875-GAC-G.
Other names: c.1162_1163del, p.Val388fs (NM_001185039.2); c.1276_1277del, p.Val426fs (NM_007292.6); short protein forms V388fs, V426fs.
Identifiers: ClinVar variation 2680344 (VCV002680344.4), dbSNP rs1261914662, ClinGen allele CA775112973.